The following is an entry in ClinVar:

ClinVar aggregate classification (germline): Uncertain significance (1 of 4 stars; one submission).

Conditions:
Epilepsy, progressive myoclonic, 1B. Also called: PME. Identifiers: Orphanet 308, MedGen C2676254, MONDO:0012904, OMIM 612437.

Allele frequency attached by ClinVar (database versions not stated): ExAC 0.00001.
gnomAD v4.1: 4 of 1,613,932 alleles (0.00025%); highest among the groups gnomAD compares: African/African-American, 0.0013%; no homozygotes.

Submission:

Labcorp Genetics (formerly Invitae), Labcorp
Classification: Uncertain significance for Epilepsy, progressive myoclonic, 1B. Last evaluated: 2020-02-14. Review status: criteria provided, single submitter. Criteria: Invitae Variant Classification Sherloc (09022015). Collection method: clinical testing. Allele origin: germline.
Comment: This sequence change replaces arginine with tryptophan at codon 84 of the PRICKLE1 protein (p.Arg84Trp). The arginine residue is highly conserved and there is a moderate physicochemical difference between arginine and tryptophan. This variant is present in population databases (rs775472022, ExAC 0.001%). This variant has not been reported in the literature in individuals with PRICKLE1-related conditions. Algorithms developed to predict the effect of missense changes on protein structure and function (SIFT, PolyPhen-2, Align-GVGD) all suggest that this variant is likely to be disruptive, but these predictions have not been confirmed by published functional studies and their clinical significance is uncertain. In summary, the available evidence is currently insufficient to determine the role of this variant in disease. Therefore, it has been classified as a Variant of Uncertain Significance.

NM_153026.3(PRICKLE1):c.250C>T (p.Arg84Trp)

Genes: PRICKLE1 (prickle planar cell polarity protein 1; minus strand), LOC130007700 (ATAC-STARR-seq lymphoblastoid active region 6212; plus strand). Cytogenetic location: 12q12.
Variant type: single nucleotide variant.
Coding change: c.250C>T on transcript NM_153026.3 (MANE Select); coding-DNA position 250, C replaced by T.
Protein change: p.Arg84Trp; replaces arginine 84 with tryptophan.
Molecular consequence: missense variant.
Genome position (GRCh38, 1-based): chr12:42,469,584, G>A on the plus strand (C>T on the coding strand, the complement: PRICKLE1 is on the minus strand). VCF-style: chr12-42469584-G-A. GRCh37 (hg19) VCF-style: chr12-42863386-G-A.
Other names: c.250C>T, p.Arg84Trp (NM_001144881.2, NM_001144882.2, NM_001144883.2); short protein forms R84W.
Identifiers: ClinVar variation 1006635 (VCV001006635.10), dbSNP rs775472022, ClinGen allele CA6519943.
Genomic context (GRCh38, chr12:42,469,584, plus strand): 5'-GCTGAGCACTGAACACCTGCAACTCTTTTTTCTCCTCTTCACTCAAAGACTGGCAATACC[G>A]TACCTTCACAGAAAGCAAAACAGAAACACCACACTGAGTGCACAGTCTTTCTCACCAGTT-3'
Protein context (NP_694571.2, residues 74-94): YQLPPHDNEV[Arg84Trp]YCQSLSEEEK